The following is an entry in ClinVar:

ClinVar aggregate classification (germline): Uncertain significance (1 of 4 stars; one submission).

Submission:

GeneDx
Classification: Uncertain significance. Last evaluated: 2022-06-02. Review status: criteria provided, single submitter. Criteria: GeneDx Variant Classification Process June 2021. Collection method: clinical testing. Allele origin: germline. Affected: yes.
Comment: Not observed at significant frequency in large population cohorts (gnomAD); Canonical splice site variant in a gene or region of a gene for which loss of function is not a well-established mechanism of disease; Has not been previously published as pathogenic or benign to our knowledge; Reported using an alternate transcript of the gene

NM_001791.4(CDC42):c.487-1486G>T

Genes: CDC42 (cell division cycle 42; plus strand), LOC122056785 (Sharpr-MPRA regulatory region 8542; plus strand). Cytogenetic location: 1p36.12.
Variant type: single nucleotide variant.
Coding change: c.487-1486G>T on transcript NM_001791.4 (MANE Select); 1486 bases into the intron before coding-DNA position 487, G replaced by T.
Molecular consequence: intron variant. On other transcripts: splice acceptor variant (1).
Genome position (GRCh38, 1-based): chr1:22,089,942, G>T. VCF-style: chr1-22089942-G-T. GRCh37 (hg19) VCF-style: chr1-22416435-G-T.
Other names: c.487-1486G>T (NM_001039802.2); c.487-1G>T (NM_044472.3).
Identifiers: ClinVar variation 1801947 (VCV001801947.1), dbSNP rs2522245014, ClinGen allele CA338908926.
Genomic context (GRCh38, chr1:22,089,942, plus strand): 5'-TGCTAGTCTTTCTAATCCTCTAACCTGGCTGCTATTCTCTCTCCTCCCCTCTGTCTTGTA[G>T]AGAGGTCTGAAGAATGTGTTTGATGAGGCTATCCTAGCTGCCCTCGAGCCTCCGGAAACT-3'